The following is an entry in ClinVar:

ClinVar aggregate classification (germline): Uncertain significance (1 of 4 stars; one submission).

Submission:

GeneDx
Classification: Uncertain significance. Last evaluated: 2023-03-21. Review status: criteria provided, single submitter. Criteria: GeneDx Variant Classification Process June 2021. Collection method: clinical testing. Allele origin: germline. Affected: yes.
Comment: Not observed at significant frequency in large population cohorts (gnomAD); In silico analysis supports that this missense variant does not alter protein structure/function; Has not been previously published as pathogenic or benign to our knowledge.

NM_001458.5(FLNC):c.938A>T (p.Tyr313Phe)

Gene: FLNC (filamin C; plus strand). Cytogenetic location: 7q32.1.
Variant type: single nucleotide variant.
Coding change: c.938A>T on transcript NM_001458.5 (MANE Select); coding-DNA position 938, A replaced by T.
Protein change: p.Tyr313Phe; replaces tyrosine 313 with phenylalanine.
Molecular consequence: missense variant.
Genome position (GRCh38, 1-based): chr7:128,837,724, A>T. VCF-style: chr7-128837724-A-T. GRCh37 (hg19) VCF-style: chr7-128477778-A-T.
Other names: c.938A>T, p.Tyr313Phe (NM_001127487.2); short protein forms Y313F.
Identifiers: ClinVar variation 2580512 (VCV002580512.1), dbSNP rs2536619114, ClinGen allele CA369223178.